The following is an entry in ClinVar:

NM_000138.5(FBN1):c.7770C>G (p.Cys2590Trp)

Gene: FBN1 (fibrillin 1; minus strand). Cytogenetic location: 15q21.1.
Variant type: single nucleotide variant.
Coding change: c.7770C>G on transcript NM_000138.5 (MANE Select); coding-DNA position 7770, C replaced by G.
Protein change: p.Cys2590Trp; replaces cysteine 2590 with tryptophan.
Molecular consequence: missense variant.
Genome position (GRCh38, 1-based): chr15:48,420,736, G>C on the plus strand (C>G on the coding strand, the complement: FBN1 is on the minus strand). VCF-style: chr15-48420736-G-C. GRCh37 (hg19) VCF-style: chr15-48712933-G-C.
Other names: short protein forms C2590W.
Identifiers: ClinVar variation 423862 (VCV000423862.4), dbSNP rs1064796667, ClinGen allele CA16619940.

ClinVar aggregate classification (germline): Likely pathogenic. Review status: criteria provided, multiple submitters, no conflicts (2 of 4 stars). 2 submissions from 2 submitters: Likely pathogenic (2). Last evaluated 2024-02-12.

Conditions:
Marfan syndrome (MFS). Also called: MARFAN SYNDROME, TYPE I; FBN1-Related Marfan Syndrome; Marfan syndrome type 1; Marfan's syndrome; Marfan syndrome, classic. Identifiers: Orphanet 284963, Orphanet 558, MedGen C0024796, MONDO:0007947, OMIM 154700.
Familial thoracic aortic aneurysm and aortic dissection (TAAD). Also called: Thoracic aortic aneurysms and dissections. Identifiers: Orphanet 91387, MedGen C4707243, MONDO:0019625.

Submissions (2):

Labcorp Genetics (formerly Invitae), Labcorp
Classification: Likely pathogenic for Marfan syndrome; Familial thoracic aortic aneurysm and aortic dissection. Last evaluated: 2024-02-12. Review status: criteria provided, single submitter. Criteria: Invitae Variant Classification Sherloc (09022015). Collection method: clinical testing. Allele origin: germline.
Comment: This sequence change replaces cysteine, which is neutral and slightly polar, with tryptophan, which is neutral and slightly polar, at codon 2590 of the FBN1 protein (p.Cys2590Trp). This variant is not present in population databases (gnomAD no frequency). This missense change has been observed in individual(s) with Marfan syndrome (Invitae). ClinVar contains an entry for this variant (Variation ID: 423862). Advanced modeling of protein sequence and biophysical properties (such as structural, functional, and spatial information, amino acid conservation, physicochemical variation, residue mobility, and thermodynamic stability) performed at Invitae indicates that this missense variant is expected to disrupt FBN1 protein function with a positive predictive value of 95%. This variant affects a cysteine residue in the EGF-like, TGFBP or hybrid motif domains of FBN1. Cysteine residues are believed to be involved in intramolecular disulfide bridges and have been shown to be important for FBN1 protein structure (PMID: 16905551, 19349279). In addition, missense substitutions affecting cysteine residues within these domains are significantly overrepresented among patients with Marfan syndrome (PMID: 16571647, 17701892). In summary, the currently available evidence indicates that the variant is pathogenic, but additional data are needed to prove that conclusively. Therefore, this variant has been classified as Likely Pathogenic.

GeneDx
Classification: Likely pathogenic. Last evaluated: 2017-02-23. Review status: criteria provided, single submitter. Criteria: GeneDx Variant Classification (06012015). Collection method: clinical testing. Allele origin: germline. Affected: yes.
Comment: A C2590W variant that is likely pathogenic was identified in the FBN1 gene. This variant has not been published aspathogenic or been reported as benign to our knowledge. The C2590W variant is not observed in large population cohorts (Lek etal., 2016; 1000 Genomes Consortium et al., 2015; Exome Variant Server). The C2590W variant is anon-conservative amino acid substitution, which is likely to impact secondary protein structure as these residues differin polarity, charge, size and/or other properties. This substitution occurs at a position that is conserved acrossspecies, and in silico analysis predicts this variant is probably damaging to the protein structure/function.Furthermore, The C2590W variant affects a Cysteine residue within a calcium-binding EGF-like domain of the FBN1gene, which may affect disulfide bonding and is predicted to alter the structure and function of the protein. Cysteinesubstitutions in the calcium-binding EGF-like domains represent the majority of pathogenic missense changesassociated with Marfan syndrome (Collod-Beroud et al., 2003).

Literature cited by the submitters: PubMed 16905551 (cited by Labcorp Genetics (formerly Invitae), Labcorp); PubMed 19349279 (cited by Labcorp Genetics (formerly Invitae), Labcorp); PubMed 16571647 (cited by Labcorp Genetics (formerly Invitae), Labcorp); PubMed 17701892 (cited by Labcorp Genetics (formerly Invitae), Labcorp).